The following is an entry in ClinVar:

GRCh38/hg38 Xp22.33-22.2(chrX:3057092-13615172)x1

Genes: AMELX (amelogenin X-linked; plus strand), ANOS1 (anosmin 1; minus strand), ARHGAP6 (Rho GTPase activating protein 6; minus strand), ARSF (arylsulfatase F; plus strand), ATXN3L (ataxin 3 like; minus strand) and 183 more. Cytogenetic location: Xp22.33-22.2.
Variant type: copy number loss.
Change: copy number 1 of chrX:3,057,092-13,615,172 (10.56 Mb, GRCh38 coordinates, 1-based), cytogenetic band Xp22.33-22.2.
Identifiers: ClinVar variation 59210 (VCV000059210.2).

ClinVar aggregate classification (germline): Pathogenic (1 of 4 stars; one submission).

Submission:

ISCA Site 6
Classification: Pathogenic. Last evaluated: 2011-08-12. Review status: criteria provided, single submitter. Criteria: Kaminsky et al. (Genet Med. 2011). Collection method: clinical testing. Allele origin: unknown. Affected: yes. Observed: 1 variant allele.
Comment: Copy number variation identified through the course of routine clinical cytogenomic testing in postnatal populations. Clinical assertions have been curated as described in Kaminsky et al. 2011.